The following is an entry in ClinVar:

NM_000451.4(SHOX):c.877T>C (p.Ter293Arg)

Gene: SHOX (SHOX homeobox; plus strand). Cytogenetic location: Yp11.2.
Variant type: single nucleotide variant.
Coding change: c.877T>C on transcript NM_000451.4 (MANE Select); coding-DNA position 877, T replaced by C.
Protein change: p.Ter293Arg.
Molecular consequence: stop lost. On other transcripts: intron variant (1).
Genome position (GRCh38, 1-based): chrX:644,634, T>C. VCF-style: chrX-644634-T-C. GRCh37 (hg19) VCF-style: chrX-605369-T-C.
Other names: *293R; c.633+3547T>C (NM_006883.2).
Identifiers: ClinVar variation 9883 (VCV000009883.3), dbSNP rs137852559, ClinGen allele CA254926.
Genomic context (GRCh38, chrX:644,634, plus strand): 5'-AATTCCAGCATCGCCGACCTGCGGCTCAAGGCGCGGAAGCACGCGGAGGCCCTGGGGCTC[T>C]GACCCGCCGCGCAGCCCCCCGCGCGCCCGGACTCCCGGGCTCCGCGCACCCCGCCTGCAC-3'

ClinVar aggregate classification (germline): Uncertain significance. Review status: criteria provided, single submitter (1 of 4 stars). 2 submissions from 2 submitters: Uncertain significance (1). 1 of the submissions does not count toward it. Last evaluated 2020-09-08.

Conditions:
Leri-Weill dyschondrosteosis (LWD). Also called: Leri-Weill Dyschondrosteosis (LWD); Léri-Weill dyschondrosteosis; DYSCHONDROSTEOSIS. Identifiers: Orphanet 240, MedGen C0265309, MONDO:0007481, OMIM 127300.

Submissions (2):

Genetics and Molecular Pathology, SA Pathology
Classification: Uncertain significance for Leri-Weill dyschondrosteosis. Last evaluated: 2020-09-08. Review status: criteria provided, single submitter. Criteria: ACMG Guidelines, 2015. Collection method: clinical testing. Allele origin: germline. Affected: yes.
Comment: The SHOX c.877T>C variant is a single nucleotide change from a thymine to a cytosine in exon 6 of the SHOX gene resulting in the abolition of the termination codon and an extension of the wild type protein by an additional 48 amino acids (PM4). The variant has been reported in dbSNP (rs137852559) but is absent from population databases (PM2). The SHOX gene is constraint for loss of function variants. The variant has not been reported in disease databases to date. The variant is paternally inherited.

OMIM
Classification: Pathogenic for LERI-WEILL DYSCHONDROSTEOSIS. Last evaluated: 2004-09-01. Review status: no assertion criteria provided. Collection method: literature only. Allele origin: germline. Not counted in ClinVar's aggregate classification.

Literature cited by the submitters: PubMed 15356038 (cited by Genetics and Molecular Pathology, SA Pathology and OMIM).